The following is an entry in ClinVar:

NM_001375524.1(TRRAP):c.1529C>T (p.Pro510Leu)

Gene: TRRAP (transformation/transcription domain associated protein; plus strand). Cytogenetic location: 7q22.1.
Variant type: single nucleotide variant.
Coding change: c.1529C>T on transcript NM_001375524.1 (MANE Select); coding-DNA position 1529, C replaced by T.
Protein change: p.Pro510Leu; replaces proline 510 with leucine.
Molecular consequence: missense variant.
Genome position (GRCh38, 1-based): chr7:98,910,234, C>T. VCF-style: chr7-98910234-C-T. GRCh37 (hg19) VCF-style: chr7-98507857-C-T.
Other names: c.1529C>T, p.Pro510Leu (NM_001244580.2, NM_003496.4); c.1529C>T (NM_001244580.1); short protein forms P510L.
Identifiers: ClinVar variation 1899968 (VCV001899968.6), dbSNP rs541711765, ClinGen allele CA4359547.

ClinVar aggregate classification (germline): Conflicting classifications of pathogenicity. Review status: criteria provided, conflicting classifications (1 of 4 stars). 2 submissions from 2 submitters: Uncertain significance (1); Likely benign (1). Last evaluated 2025-12-05.

Conditions:
Inborn genetic diseases. Identifiers: MedGen C0950123, MeSH D030342.

Allele frequency attached by ClinVar (database versions not stated): gnomAD exomes 0.00001; gnomAD 0.00007; ExAC 0.00024; 1000 Genomes Project 0.00040.
gnomAD v4.1: 24 of 1,435,436 alleles (0.0017%); highest among the groups gnomAD compares: African/African-American, 0.02%; no homozygotes.

Submissions (2):

Labcorp Genetics (formerly Invitae), Labcorp
Classification: Uncertain significance. Last evaluated: 2025-12-05. Review status: criteria provided, single submitter. Criteria: Invitae Variant Classification Sherloc (09022015). Collection method: clinical testing. Allele origin: germline.
Comment: This sequence change replaces proline, which is neutral and non-polar, with leucine, which is neutral and non-polar, at codon 510 of the TRRAP protein (p.Pro510Leu). The frequency data for this variant in the population databases is considered unreliable, as metrics indicate poor data quality at this position in the gnomAD database. This variant has not been reported in the literature in individuals affected with TRRAP-related conditions. ClinVar contains an entry for this variant (Variation ID: 1899968). An algorithm developed to predict the effect of missense changes on protein structure and function (PolyPhen-2) suggests that this variant is likely to be tolerated. In summary, the available evidence is currently insufficient to determine the role of this variant in disease. Therefore, it has been classified as a Variant of Uncertain Significance.

Ambry Genetics
Classification: Likely benign for Inborn genetic diseases. Last evaluated: 2025-08-06. Review status: criteria provided, single submitter. Criteria: Ambry Variant Classification Scheme 2023. Collection method: clinical testing. Allele origin: germline.